The following is an entry in ClinVar:

ClinVar aggregate classification (germline): Uncertain significance (1 of 4 stars; one submission).

Submission:

Clinical Genomics Laboratory, Laboratory for Precision Diagnostics, University of Washington
Classification: Uncertain significance. Last evaluated: 2022-08-31. Review status: criteria provided, single submitter. Criteria: ACMG/ClinGen CNV Guidelines, 2019. Collection method: clinical testing. Allele origin: unknown. Affected: yes. Observed: 1 variant allele.
Comment: This is a recurrent duplication of the 22q11.2 region between LCR22F and LCR22H, also sometimes referred to as a distal 22q11.2 microduplication that can involve any of the LCR22's between LCR22D-H. PMID: 29147671 summarized the clinical features of 13 people with this duplication described in the medical literature. All 13 people with the LCR22F-H duplication had variable degrees of developmental delay. Half had hypotonia and distinctive facial features. Seizure disorder and neuropsychiatric differences were more common than in the general population. Skeletal abnormalities were found in one of the four people for whom this information was available, but the type of abnormality was not specified. Among the 12 people for whom inheritance was known,10 had inherited the duplication. In four families, the parent with the duplication was unaffected; the status of the parent was unknown in the other six families. In addition to this publication, the duplication appears dozens of times in databases of copy number variants found in individuals with phenotypic alterations (DECIPHER, ClinVar). However, this duplication also appears in databases of copy number variants found in healthy control groups (DGV gssvG23965 0.06%; gnomAD DUP_22_50972 0.04%), which is further evidence of reduced penetrance.

Literature cited by the submitters: PubMed 29147671.

GRCh38/hg38 22q11.23(chr22:23358452-24623047)x3

Genes: ADORA2A (adenosine A2a receptor; plus strand), ADORA2A-AS1 (ADORA2A antisense RNA 1; minus strand), C22orf15 (chromosome 22 open reading frame 15; plus strand), CABIN1 (calcineurin binding protein 1; plus strand), CHCHD10 (coiled-coil-helix-coiled-coil-helix domain containing 10; minus strand) and 73 more. Cytogenetic location: 22q11.23.
Variant type: copy number gain.
Change: copy number 3 (three copies instead of two) of chr22:23,358,452-24,623,047 (1.26 Mb, GRCh38 coordinates, 1-based), cytogenetic band 22q11.23.
Identifiers: ClinVar variation 4852050 (VCV004852050.1).